The following is an entry in ClinVar:

NM_001365999.1(SZT2):c.4184T>C (p.Leu1395Pro)

Gene: SZT2 (SZT2 subunit of KICSTOR complex; plus strand). Cytogenetic location: 1p34.2.
Variant type: single nucleotide variant.
Coding change: c.4184T>C on transcript NM_001365999.1 (MANE Select); coding-DNA position 4184, T replaced by C.
Protein change: p.Leu1395Pro; replaces leucine 1395 with proline.
Molecular consequence: missense variant.
Genome position (GRCh38, 1-based): chr1:43,429,720, T>C. VCF-style: chr1-43429720-T-C. GRCh37 (hg19) VCF-style: chr1-43895391-T-C.
Other names: c.4013T>C, p.Leu1338Pro (NM_015284.4); short protein forms L1338P, L1395P.
Identifiers: ClinVar variation 1309171 (VCV001309171.2), dbSNP rs140874734, ClinGen allele CA809213.

ClinVar aggregate classification (germline): Uncertain significance (1 of 4 stars; one submission).

Allele frequency attached by ClinVar (database versions not stated): gnomAD exomes below 0.00001 and 0.00002; TOPMed below 0.00001; ExAC 0.00001; ESP Exome Variant Server 0.00008.
gnomAD v4.1: 4 of 1,614,212 alleles (0.00025%); highest among the groups gnomAD compares: Admixed American, 0.005%; no homozygotes.

Submission:

GeneDx
Classification: Uncertain significance. Last evaluated: 2019-10-11. Review status: criteria provided, single submitter. Criteria: GeneDx Variant Classification Process June 2021. Collection method: clinical testing. Allele origin: germline. Affected: yes.
Comment: Not observed at a significant frequency in large population cohorts (Lek et al., 2016); In silico analysis, which includes protein predictors and evolutionary conservation, supports that this variant does not alter protein structure/function; Has not been previously published as pathogenic or benign to our knowledge